The following is an entry in ClinVar:

NM_001003841.3(SLC6A19):c.1117G>A (p.Ala373Thr)

Gene: SLC6A19 (solute carrier family 6 member 19; plus strand). Cytogenetic location: 5p15.33.
Variant type: single nucleotide variant.
Coding change: c.1117G>A on transcript NM_001003841.3 (MANE Select); coding-DNA position 1117, G replaced by A.
Protein change: p.Ala373Thr; replaces alanine 373 with threonine.
Molecular consequence: missense variant.
Genome position (GRCh38, 1-based): chr5:1,216,889, G>A. VCF-style: chr5-1216889-G-A. GRCh37 (hg19) VCF-style: chr5-1217004-G-A.
Other names: c.1117G>A (NM_001003841.2); short protein forms A373T.
Identifiers: ClinVar variation 1535343 (VCV001535343.10), dbSNP rs775834401, ClinGen allele CA3183044.

ClinVar aggregate classification (germline): Conflicting classifications of pathogenicity. Review status: criteria provided, conflicting classifications (1 of 4 stars). 3 submissions from 3 submitters: Uncertain significance (1); Likely benign (2). Last evaluated 2025-12-10.

Conditions:
Inborn genetic diseases. Identifiers: MedGen C0950123, MeSH D030342.

Allele frequency attached by ClinVar (database versions not stated): gnomAD 0.00006 and 0.00007; gnomAD exomes 0.00016; ExAC 0.00021; TOPMed 0.00024.
gnomAD v4.1: 195 of 1,613,630 alleles (0.012%); highest among the groups gnomAD compares: East Asian, 0.18%; no homozygotes.

Submissions (3):

Labcorp Genetics (formerly Invitae), Labcorp
Classification: Likely benign. Last evaluated: 2025-12-10. Review status: criteria provided, single submitter. Criteria: Invitae Variant Classification Sherloc (09022015). Collection method: clinical testing. Allele origin: germline.

Ambry Genetics
Classification: Likely benign for Inborn genetic diseases. Last evaluated: 2024-02-21. Review status: criteria provided, single submitter. Criteria: Ambry Variant Classification Scheme 2023. Collection method: clinical testing. Allele origin: germline.

Women's Health and Genetics/Laboratory Corporation of America, LabCorp
Classification: Uncertain significance. Last evaluated: 2023-11-08. Review status: criteria provided, single submitter. Criteria: LabCorp Variant Classification Summary - May 2015. Collection method: clinical testing. Allele origin: germline.
Comment: Variant summary: SLC6A19 c.1117G>A (p.Ala373Thr) results in a non-conservative amino acid change in the encoded protein sequence. Four of five in-silico tools predict a benign effect of the variant on protein function. The variant allele was found at a frequency of 0.00016 in 251088 control chromosomes (gnomAD). To our knowledge, no occurrence of c.1117G>A in individuals affected with Hartnup Disease and no experimental evidence demonstrating its impact on protein function have been reported. The following publication has been ascertained in the context of this evaluation (PMID: 28041799). One submitter has cited clinical-significance assessments for this variant to ClinVar after 2014 and has classified the variant as likely benign. Based on the evidence outlined above, the variant was classified as uncertain significance.

Literature cited by the submitters: PubMed 28041799 (cited by Women's Health and Genetics/Laboratory Corporation of America, LabCorp).